The following is an entry in ClinVar:

NM_001134831.2(AHI1):c.3542G>A (p.Arg1181Gln)

Gene: AHI1 (Abelson helper integration site 1; minus strand). Cytogenetic location: 6q23.3.
Variant type: single nucleotide variant.
Coding change: c.3542G>A on transcript NM_001134831.2 (MANE Select); coding-DNA position 3542, G replaced by A.
Protein change: p.Arg1181Gln; replaces arginine 1181 with glutamine.
Molecular consequence: missense variant. On other transcripts: intron variant (1).
Genome position (GRCh38, 1-based): chr6:135,290,469, C>T on the plus strand (G>A on the coding strand, the complement: AHI1 is on the minus strand). VCF-style: chr6-135290469-C-T. GRCh37 (hg19) VCF-style: chr6-135611607-C-T.
Other names: c.3542G>A, p.Arg1181Gln (NM_001134830.2, NM_001350503.2, NM_017651.5); c.3486-4822G>A (NM_001350504.2); short protein forms R1181Q.
Identifiers: ClinVar variation 355495 (VCV000355495.15), dbSNP rs200368187, ClinGen allele CA4011958.

ClinVar aggregate classification (germline): Conflicting classifications of pathogenicity. Review status: criteria provided, conflicting classifications (1 of 4 stars). 6 submissions from 6 submitters: Uncertain significance (4); Likely benign (2). Last evaluated 2026-04-14.

Conditions:
AHI1-related disorder. Also called: AHI1-related condition.
Inborn genetic diseases. Identifiers: MedGen C0950123, MeSH D030342.
Joubert syndrome. Also called: Familial aplasia of the vermis; JOUBERT-BOLTSHAUSER SYNDROME. Identifiers: Orphanet 475, MedGen C5979921, MONDO:0018772.
Joubert syndrome 3 (JBTS3). Also called: AHI1-related Ciliopathy. Identifiers: Orphanet 220493, MedGen C1837713, MONDO:0012078, OMIM 608629.

Allele frequency attached by ClinVar (database versions not stated): 1000 Genomes Project 30x 0.00016; 1000 Genomes Project 0.00020; ExAC 0.00003; gnomAD exomes 0.00004; gnomAD 0.00006; TOPMed 0.00007.
gnomAD v4.1: 60 of 1,613,362 alleles (0.0037%); highest among the groups gnomAD compares: East Asian, 0.085%; no homozygotes.

Submissions (6):

PreventionGenetics, part of Exact Sciences
Classification: Uncertain significance for AHI1-related condition. Last evaluated: 2026-04-14. Review status: criteria provided, single submitter. Criteria: ACMG Guidelines, 2015. Collection method: clinical testing. Allele origin: germline.
Comment: The AHI1 c.3542G>A variant is predicted to result in the amino acid substitution p.Arg1181Gln. To our knowledge, this variant has not been reported in the literature. This variant is reported in 0.022% of alleles in individuals of East Asian descent in gnomAD. At this time, the clinical significance of this variant is uncertain due to the absence of conclusive functional and genetic evidence.

GeneDx
Classification: Uncertain significance. Last evaluated: 2024-05-29. Review status: criteria provided, single submitter. Criteria: GeneDx Variant Classification Process June 2021. Collection method: clinical testing. Allele origin: germline. Affected: yes.
Comment: In silico analysis indicates that this missense variant does not alter protein structure/function; Has not been previously published as pathogenic or benign to our knowledge

Ambry Genetics
Classification: Likely benign for Inborn genetic diseases. Last evaluated: 2022-12-13. Review status: criteria provided, single submitter. Criteria: Ambry Variant Classification Scheme 2023. Collection method: clinical testing. Allele origin: germline.

Labcorp Genetics (formerly Invitae), Labcorp
Classification: Uncertain significance for Joubert syndrome. Last evaluated: 2021-08-26. Review status: criteria provided, single submitter. Criteria: Invitae Variant Classification Sherloc (09022015). Collection method: clinical testing. Allele origin: germline.
Comment: This sequence change replaces arginine with glutamine at codon 1181 of the AHI1 protein (p.Arg1181Gln). The arginine residue is weakly conserved and there is a small physicochemical difference between arginine and glutamine. This variant is present in population databases (rs200368187, ExAC 0.03%). This variant has not been reported in the literature in individuals affected with AHI1-related conditions. ClinVar contains an entry for this variant (Variation ID: 355495). Algorithms developed to predict the effect of missense changes on protein structure and function output the following: SIFT: "Tolerated"; PolyPhen-2: "Benign"; Align-GVGD: "Class C0". The glutamine amino acid residue is found in multiple mammalian species, which suggests that this missense change does not adversely affect protein function. Algorithms developed to predict the effect of sequence changes on RNA splicing suggest that this variant may create or strengthen a splice site. In summary, the available evidence is currently insufficient to determine the role of this variant in disease. Therefore, it has been classified as a Variant of Uncertain Significance.

Blueprint Genetics
Classification: Likely benign. Last evaluated: 2021-08-25. Review status: criteria provided, single submitter. Criteria: ACMG Guidelines, 2015. Collection method: clinical testing. Allele origin: germline.

Illumina Laboratory Services, Illumina
Classification: Uncertain significance for Joubert syndrome 3. Last evaluated: 2018-01-12. Review status: criteria provided, single submitter. Criteria: ICSL Variant Classification Criteria 13 December 2019. Collection method: clinical testing. Allele origin: germline.